The following is an entry in ClinVar:

ClinVar aggregate classification (germline): Uncertain significance (1 of 4 stars; one submission).

Conditions:
Joubert syndrome. Also called: CEREBELLOPARENCHYMAL DISORDER IV; JOUBERT-BOLTSHAUSER SYNDROME; Familial aplasia of the vermis. Identifiers: Orphanet 475, MedGen C5979921, MONDO:0018772.
Meckel-Gruber syndrome. Also called: DYSENCEPHALIA SPLANCHNOCYSTICA; GRUBER SYNDROME; Dysencephalia splachnocystica. Identifiers: Orphanet 564, MedGen C0265215, MONDO:0018921.

Submission:

Labcorp Genetics (formerly Invitae), Labcorp
Classification: Uncertain significance for Joubert syndrome; Meckel-Gruber syndrome. Last evaluated: 2024-12-02. Review status: criteria provided, single submitter. Criteria: Invitae Variant Classification Sherloc (09022015). Collection method: clinical testing. Allele origin: germline.
Comment: This sequence change replaces serine, which is neutral and polar, with phenylalanine, which is neutral and non-polar, at codon 159 of the TMEM67 protein (p.Ser159Phe). This variant is not present in population databases (gnomAD no frequency). This variant has not been reported in the literature in individuals affected with TMEM67-related conditions. ClinVar contains an entry for this variant (Variation ID: 2015823). Invitae Evidence Modeling of protein sequence and biophysical properties (such as structural, functional, and spatial information, amino acid conservation, physicochemical variation, residue mobility, and thermodynamic stability) indicates that this missense variant is expected to disrupt TMEM67 protein function with a positive predictive value of 95%. In summary, the available evidence is currently insufficient to determine the role of this variant in disease. Therefore, it has been classified as a Variant of Uncertain Significance.

NM_153704.6(TMEM67):c.476C>T (p.Ser159Phe)

Gene: TMEM67 (transmembrane protein 67; plus strand). Cytogenetic location: 8q22.1.
Variant type: single nucleotide variant.
Coding change: c.476C>T on transcript NM_153704.6 (MANE Select); coding-DNA position 476, C replaced by T.
Protein change: p.Ser159Phe; replaces serine 159 with phenylalanine.
Molecular consequence: missense variant. On other transcripts: non-coding transcript variant (1).
Genome position (GRCh38, 1-based): chr8:93,763,911, C>T. VCF-style: chr8-93763911-C-T. GRCh37 (hg19) VCF-style: chr8-94776139-C-T.
Other names: c.233C>T, p.Ser78Phe (NM_001142301.1); short protein forms S159F, S78F.
Identifiers: ClinVar variation 2015823 (VCV002015823.4), dbSNP rs2536784758, ClinGen allele CA371686435.